The following is an entry in ClinVar:

ClinVar aggregate classification (germline): Uncertain significance (1 of 4 stars; one submission).

Conditions:
Mowat-Wilson syndrome (MOWS). Also called: Classic Mowat-Wilson Syndrome. Identifiers: Orphanet 2152, MedGen C1856113, MONDO:0009341, OMIM 235730.

Allele frequency attached by ClinVar (database versions not stated): TOPMed below 0.00001.

Submission:

Labcorp Genetics (formerly Invitae), Labcorp
Classification: Uncertain significance for Mowat-Wilson syndrome. Last evaluated: 2023-10-29. Review status: criteria provided, single submitter. Criteria: Invitae Variant Classification Sherloc (09022015). Collection method: clinical testing. Allele origin: germline.
Comment: This sequence change replaces methionine, which is neutral and non-polar, with valine, which is neutral and non-polar, at codon 1074 of the ZEB2 protein (p.Met1074Val). This variant is not present in population databases (gnomAD no frequency). This variant has not been reported in the literature in individuals affected with ZEB2-related conditions. Advanced modeling of protein sequence and biophysical properties (such as structural, functional, and spatial information, amino acid conservation, physicochemical variation, residue mobility, and thermodynamic stability) performed at Invitae indicates that this missense variant is expected to disrupt ZEB2 protein function with a positive predictive value of 80%. In summary, the available evidence is currently insufficient to determine the role of this variant in disease. Therefore, it has been classified as a Variant of Uncertain Significance.

NM_014795.4(ZEB2):c.3220A>G (p.Met1074Val)

Gene: ZEB2 (zinc finger E-box binding homeobox 2; minus strand). Cytogenetic location: 2q22.3.
Variant type: single nucleotide variant.
Coding change: c.3220A>G on transcript NM_014795.4 (MANE Select); coding-DNA position 3220, A replaced by G.
Protein change: p.Met1074Val; replaces methionine 1074 with valine.
Molecular consequence: missense variant.
Genome position (GRCh38, 1-based): chr2:144,389,876, T>C on the plus strand (A>G on the coding strand, the complement: ZEB2 is on the minus strand). VCF-style: chr2-144389876-T-C. GRCh37 (hg19) VCF-style: chr2-145147443-T-C.
Other names: c.3148A>G, p.Met1050Val (NM_001171653.2); short protein forms M1074V, M1050V.
Identifiers: ClinVar variation 2769265 (VCV002769265.3), dbSNP rs1703133767, ClinGen allele CA348700223.
Genomic context (GRCh38, chr2:144,389,876, plus strand): 5'-CGCGCTCCGCCGCTTCCCGCTCCTCCGCCTCCCGCTTGCAGTAGGAATACCTGTGATTCA[T>C]GTGCTGCGAGTACGAGCCCGAGTGTGAGAAGCGCTTGCCACATTTATCACACTGATAGGG-3'
Protein context (NP_055610.1, residues 1064-1084): FSHSGSYSQH[Met1074Val]NHRYSYCKRE